The following is an entry in ClinVar:

NM_032492.4(JAGN1):c.313A>G (p.Ile105Val)

Gene: JAGN1 (jagunal vesicle mediated transporter 1; plus strand). Cytogenetic location: 3p25.3.
Variant type: single nucleotide variant.
Coding change: c.313A>G on transcript NM_032492.4 (MANE Select); coding-DNA position 313, A replaced by G.
Protein change: p.Ile105Val; replaces isoleucine 105 with valine.
Molecular consequence: missense variant.
Genome position (GRCh38, 1-based): chr3:9,893,138, A>G. VCF-style: chr3-9893138-A-G. GRCh37 (hg19) VCF-style: chr3-9934822-A-G.
Other names: c.313A>G (NM_032492.3); c.151A>G, p.Ile51Val (NM_001363890.1); short protein forms I105V, I51V.
Identifiers: ClinVar variation 1981339 (VCV001981339.3), dbSNP rs749407510, ClinGen allele CA2245862.

ClinVar aggregate classification (germline): Uncertain significance. Review status: criteria provided, multiple submitters, no conflicts (2 of 4 stars). 3 submissions from 3 submitters: Uncertain significance (3). Last evaluated 2025-07-03.

Conditions:
Autosomal recessive severe congenital neutropenia due to JAGN1 deficiency. Also called: Severe congenital neutropenia 6, autosomal recessive. Identifiers: Orphanet 423384, MedGen C4014954, MONDO:0014456, OMIM 616022.
Inborn genetic diseases. Identifiers: MedGen C0950123, MeSH D030342.

Allele frequency attached by ClinVar (database versions not stated): ExAC 0.00001; gnomAD 0.00002; TOPMed 0.00002.
gnomAD v4.1: 44 of 1,613,990 alleles (0.0027%); highest among the groups gnomAD compares: Non-Finnish European, 0.0037%; no homozygotes.

Submissions (3):

Ambry Genetics
Classification: Uncertain significance for Inborn genetic diseases. Last evaluated: 2025-07-03. Review status: criteria provided, single submitter. Criteria: Ambry Variant Classification Scheme 2023. Collection method: clinical testing. Allele origin: germline.

Blueprint Genetics
Classification: Uncertain significance. Last evaluated: 2024-09-16. Review status: criteria provided, single submitter. Criteria: ACMG Guidelines, 2015. Collection method: clinical testing. Allele origin: germline.

Labcorp Genetics (formerly Invitae), Labcorp
Classification: Uncertain significance for Autosomal recessive severe congenital neutropenia due to JAGN1 deficiency. Last evaluated: 2022-02-09. Review status: criteria provided, single submitter. Criteria: Invitae Variant Classification Sherloc (09022015). Collection method: clinical testing. Allele origin: germline.
Comment: This sequence change replaces isoleucine, which is neutral and non-polar, with valine, which is neutral and non-polar, at codon 105 of the JAGN1 protein (p.Ile105Val). This variant is present in population databases (rs749407510, gnomAD 0.002%). This variant has not been reported in the literature in individuals affected with JAGN1-related conditions. Algorithms developed to predict the effect of missense changes on protein structure and function (SIFT, PolyPhen-2, Align-GVGD) all suggest that this variant is likely to be tolerated. Algorithms developed to predict the effect of sequence changes on RNA splicing suggest that this variant may create or strengthen a splice site. In summary, the available evidence is currently insufficient to determine the role of this variant in disease. Therefore, it has been classified as a Variant of Uncertain Significance.